The following is an entry in ClinVar:

ClinVar aggregate classification (germline): Likely benign. Review status: criteria provided, multiple submitters, no conflicts (2 of 4 stars). 2 submissions from 2 submitters: Likely benign (2). Last evaluated 2024-07-01.

Submissions (2):

CeGaT Center for Human Genetics Tuebingen
Classification: Likely benign. Last evaluated: 2024-07-01. Review status: criteria provided, single submitter. Criteria: CeGaT Center For Human Genetics Tuebingen Variant Classification Criteria Version 2. Collection method: clinical testing. Allele origin: germline. Affected: yes. Observed: 1 variant allele.
Comment: SZT2: PM2:Supporting, BP4, BP7

Labcorp Genetics (formerly Invitae), Labcorp
Classification: Likely benign. Last evaluated: 2022-08-09. Review status: criteria provided, single submitter. Criteria: Invitae Variant Classification Sherloc (09022015). Collection method: clinical testing. Allele origin: germline.

NM_001365999.1(SZT2):c.5037A>C (p.Leu1679=)

Gene: SZT2 (SZT2 subunit of KICSTOR complex; plus strand). Cytogenetic location: 1p34.2.
Variant type: single nucleotide variant.
Coding change: c.5037A>C on transcript NM_001365999.1 (MANE Select); coding-DNA position 5037, A replaced by C.
Protein change: p.Leu1679=; no amino-acid change (leucine 1679 retained).
Molecular consequence: synonymous variant.
Genome position (GRCh38, 1-based): chr1:43,431,472, A>C. VCF-style: chr1-43431472-A-C. GRCh37 (hg19) VCF-style: chr1-43897143-A-C.
Other names: c.4866A>C, p.Leu1622= (NM_015284.4).
Identifiers: ClinVar variation 2021103 (VCV002021103.21), dbSNP rs2153934018, ClinGen allele CA417549706.